The following is an entry in ClinVar:

NM_001080517.3(SETD5):c.3512del (p.Thr1170_Ser1171insTer)

Gene: SETD5 (SET domain containing 5; plus strand). Cytogenetic location: 3p25.3.
Variant type: Deletion.
Coding change: c.3512del on transcript NM_001080517.3 (MANE Select); coding-DNA position 3512, one base deleted (C; older notation c.3512delC).
Protein change: p.Thr1170_Ser1171insTer.
Molecular consequence: nonsense.
Genome position (GRCh38, 1-based): chr3:9,474,463, C deleted. VCF-style (leftmost placement, unchanged base first): chr3-9474462-TC-T. GRCh37 (hg19) VCF-style: chr3-9516146-TC-T.
Other names: c.3218del, p.Thr1072_Ser1073insTer (NM_001292043.2, NM_001349451.2); c.3608del, p.Thr1202_Ser1203insTer (NM_001437633.1); c.3626del, p.Thr1208_Ser1209insTer (NM_001437635.1); c.3569del, p.Thr1189_Ser1190insTer (NM_001437643.1); c.3551del, p.Thr1183_Ser1184insTer (NM_001437701.1).
Identifiers: ClinVar variation 4730484 (VCV004730484.1).
Genomic context (GRCh38, chr3:9,474,462, plus strand): 5'-TTTGGTTAAGTCCTGTGGCTTGAACTTGCACCCTGTTGCCTTTACAGGATGGTTCCCACA[TC>T]AGTAGAACGACTCCGAGAAGGAGGGAGCATCCCCAAGGTCCTCCGAAGCAGCGTGAGGGT-3'

ClinVar aggregate classification (germline): Pathogenic (1 of 4 stars; one submission).

Submission:

Labcorp Genetics (formerly Invitae), Labcorp
Classification: Pathogenic. Last evaluated: 2025-12-21. Review status: criteria provided, single submitter. Criteria: Invitae Variant Classification Sherloc (09022015). Collection method: clinical testing. Allele origin: germline.
Comment: This sequence change creates a premature translational stop signal (p.Ser1171*) in the SETD5 gene. It is expected to result in an absent or disrupted protein product. Loss-of-function variants in SETD5 are known to be pathogenic (PMID: 24680889). This variant is not present in population databases (gnomAD no frequency). This variant has not been reported in the literature in individuals affected with SETD5-related conditions. For these reasons, this variant has been classified as Pathogenic.

Literature cited by the submitters: PubMed 24680889.